The following is an entry in ClinVar:

ClinVar aggregate classification (germline): Uncertain significance (1 of 4 stars; one submission).

Allele frequency attached by ClinVar (database versions not stated): gnomAD exomes below 0.00001; ExAC 0.00001.
gnomAD v4.1: 2 of 1,611,684 alleles (0.00012%); highest among the groups gnomAD compares: Admixed American, 0.0017%; no homozygotes.

Submission:

Labcorp Genetics (formerly Invitae), Labcorp
Classification: Uncertain significance. Last evaluated: 2022-10-03. Review status: criteria provided, single submitter. Criteria: Invitae Variant Classification Sherloc (09022015). Collection method: clinical testing. Allele origin: germline.
Comment: In summary, the available evidence is currently insufficient to determine the role of this variant in disease. Therefore, it has been classified as a Variant of Uncertain Significance. Advanced modeling of protein sequence and biophysical properties (such as structural, functional, and spatial information, amino acid conservation, physicochemical variation, residue mobility, and thermodynamic stability) performed at Invitae indicates that this missense variant is expected to disrupt TRAF3IP1 protein function. ClinVar contains an entry for this variant (Variation ID: 1375502). This variant has not been reported in the literature in individuals affected with TRAF3IP1-related conditions. This variant is not present in population databases (gnomAD no frequency). This sequence change replaces glutamic acid, which is acidic and polar, with lysine, which is basic and polar, at codon 624 of the TRAF3IP1 protein (p.Glu624Lys).

NM_015650.4(TRAF3IP1):c.1870G>A (p.Glu624Lys)

Gene: TRAF3IP1 (TRAF3 interacting protein 1; plus strand). Cytogenetic location: 2q37.3.
Variant type: single nucleotide variant.
Coding change: c.1870G>A on transcript NM_015650.4 (MANE Select); coding-DNA position 1870, G replaced by A.
Protein change: p.Glu624Lys; replaces glutamic acid 624 with lysine.
Molecular consequence: missense variant.
Genome position (GRCh38, 1-based): chr2:238,397,639, G>A. VCF-style: chr2-238397639-G-A. GRCh37 (hg19) VCF-style: chr2-239306280-G-A.
Other names: c.1672G>A, p.Glu558Lys (NM_001139490.1); short protein forms E558K, E624K.
Identifiers: ClinVar variation 1375502 (VCV001375502.6), dbSNP rs761445578, ClinGen allele CA2198594.